The following is an entry in ClinVar:

ClinVar aggregate classification (germline): Uncertain significance (1 of 4 stars; one submission).

Conditions:
Supravalvar aortic stenosis (SVAS). Also called: Supravalvar aortic stenosis, Eisenberg type. Identifiers: Orphanet 3193, MedGen C0003499, MONDO:0008504, OMIM 185500, HP:0004381.

gnomAD v4.1: 1 of 1,614,228 alleles (0.000062%); highest among the groups gnomAD compares: African/African-American, 0.0013%; no homozygotes.

Submission:

Labcorp Genetics (formerly Invitae), Labcorp
Classification: Uncertain significance for Supravalvar aortic stenosis. Last evaluated: 2022-12-02. Review status: criteria provided, single submitter. Criteria: Invitae Variant Classification Sherloc (09022015). Collection method: clinical testing. Allele origin: germline.
Comment: In summary, the available evidence is currently insufficient to determine the role of this variant in disease. Therefore, it has been classified as a Variant of Uncertain Significance. Algorithms developed to predict the effect of sequence changes on RNA splicing suggest that this variant may create or strengthen a splice site. Advanced modeling of protein sequence and biophysical properties (such as structural, functional, and spatial information, amino acid conservation, physicochemical variation, residue mobility, and thermodynamic stability) performed at Invitae indicates that this missense variant is not expected to disrupt ELN protein function. This variant has not been reported in the literature in individuals affected with ELN-related conditions. This variant is not present in population databases (gnomAD no frequency). This sequence change replaces alanine, which is neutral and non-polar, with valine, which is neutral and non-polar, at codon 288 of the ELN protein (p.Ala288Val).

NM_000501.4(ELN):c.863C>T (p.Ala288Val)

Gene: ELN (elastin; plus strand). Cytogenetic location: 7q11.23.
Variant type: single nucleotide variant.
Coding change: c.863C>T on transcript NM_000501.4 (MANE Select); coding-DNA position 863, C replaced by T.
Protein change: p.Ala288Val; replaces alanine 288 with valine.
Molecular consequence: missense variant.
Genome position (GRCh38, 1-based): chr7:74,051,813, C>T. VCF-style: chr7-74051813-C-T. GRCh37 (hg19) VCF-style: chr7-73466143-C-T.
Other names: c.833C>T, p.Ala278Val (NM_001081752.3, NM_001278917.2); c.878C>T, p.Ala293Val (NM_001081753.3, NM_001081754.3); c.863C>T, p.Ala288Val (NM_001081755.3, NM_001278912.2, NM_001278915.2 and 1 more transcripts); c.755C>T, p.Ala252Val (NM_001278913.2); c.848C>T, p.Ala283Val (NM_001278914.2); c.821C>T, p.Ala274Val (NM_001278916.2); c.731C>T, p.Ala244Val (NM_001278918.2); short protein forms A278V, A244V, A293V, A274V, A288V, A252V, A283V.
Identifiers: ClinVar variation 2870500 (VCV002870500.3), dbSNP rs782549041, ClinGen allele CA367871108.